The following is an entry in ClinVar:

NM_000302.4(PLOD1):c.1769A>C (p.Gln590Pro)

Gene: PLOD1 (procollagen-lysine,2-oxoglutarate 5-dioxygenase 1; plus strand). Cytogenetic location: 1p36.22.
Variant type: single nucleotide variant.
Coding change: c.1769A>C on transcript NM_000302.4 (MANE Select); coding-DNA position 1769, A replaced by C.
Protein change: p.Gln590Pro; replaces glutamine 590 with proline.
Molecular consequence: missense variant.
Genome position (GRCh38, 1-based): chr1:11,970,683, A>C. VCF-style: chr1-11970683-A-C. GRCh37 (hg19) VCF-style: chr1-12030740-A-C.
Other names: c.1910A>C, p.Gln637Pro (NM_001316320.2); short protein forms Q637P, Q590P.
Identifiers: ClinVar variation 1494452 (VCV001494452.8), dbSNP rs2100764621, ClinGen allele CA338449017.

ClinVar aggregate classification (germline): Uncertain significance (1 of 4 stars; one submission).

Conditions:
Ehlers-Danlos syndrome, kyphoscoliotic type 1 (EDSKSCL1). Also called: EHLERS-DANLOS SYNDROME, OCULAR-SCOLIOTIC TYPE; Ehlers-Danlos syndrome, hydroxylysine-deficient; EHLERS-DANLOS SYNDROME, TYPE VIA; PLOD1-Related Kyphoscoliotic Ehlers-Danlos Syndrome. Identifiers: Orphanet 1900, MedGen C0268342, MONDO:0016002, OMIM 225400. Disease mechanism: loss of function.

Submission:

Labcorp Genetics (formerly Invitae), Labcorp
Classification: Uncertain significance for Ehlers-Danlos syndrome, kyphoscoliotic type 1. Last evaluated: 2021-05-29. Review status: criteria provided, single submitter. Criteria: Invitae Variant Classification Sherloc (09022015). Collection method: clinical testing. Allele origin: germline.
Comment: In summary, the available evidence is currently insufficient to determine the role of this variant in disease. Therefore, it has been classified as a Variant of Uncertain Significance. Algorithms developed to predict the effect of missense changes on protein structure and function (SIFT, PolyPhen-2, Align-GVGD) all suggest that this variant is likely to be tolerated, but these predictions have not been confirmed by published functional studies and their clinical significance is uncertain. This variant has not been reported in the literature in individuals with PLOD1-related conditions. This variant is not present in population databases (ExAC no frequency). This sequence change replaces glutamine with proline at codon 590 of the PLOD1 protein (p.Gln590Pro). The glutamine residue is moderately conserved and there is a moderate physicochemical difference between glutamine and proline.